The following is an entry in ClinVar:

NM_001375808.2(LPIN2):c.1749_1781del (p.Ser585_Ala595del)

Gene: LPIN2 (lipin 2; minus strand). Cytogenetic location: 18p11.31.
Variant type: Deletion.
Coding change: c.1749_1781del on transcript NM_001375808.2 (MANE Select); coding-DNA positions 1749 to 1781, 33 bases deleted.
Protein change: p.Ser585_Ala595del.
Molecular consequence: inframe deletion.
Genome position (GRCh38, 1-based): chr18:2,926,735-2,926,767, 33 bases deleted; deleting any 33 consecutive bases within chr18:2,926,735-2,926,770 gives the same sequence; the c. name uses the placement nearest the transcript's 3' end. GRCh37 (hg19): chr18:2,926,736-2,926,768.
Other names: c.1749_1781del, p.Ser585_Ala595del (NM_001375809.1, NM_014646.2).
Identifiers: ClinVar variation 2717717 (VCV002717717.3), dbSNP rs2510247873, ClinGen allele CA2547745971.

ClinVar aggregate classification (germline): Uncertain significance (1 of 4 stars; one submission).

Conditions:
Majeed syndrome (MJDS). Also called: CHRONIC RECURRENT MULTIFOCAL OSTEOMYELITIS 1, WITH CONGENITAL DYSERYTHROPOIETIC ANEMIA, WITH OR WITHOUT NEUTROPHILIC DERMATOSIS; LPIN2-Related Majeed Syndrome. Identifiers: Orphanet 77297, MedGen C1864997, MONDO:0012316, OMIM 609628.

Submission:

Labcorp Genetics (formerly Invitae), Labcorp
Classification: Uncertain significance for Majeed syndrome. Last evaluated: 2023-07-17. Review status: criteria provided, single submitter. Criteria: Invitae Variant Classification Sherloc (09022015). Collection method: clinical testing. Allele origin: germline.
Comment: Experimental studies and prediction algorithms are not available or were not evaluated, and the functional significance of this variant is currently unknown. Algorithms developed to predict the effect of sequence changes on RNA splicing suggest that this variant may disrupt the consensus splice site. In summary, the available evidence is currently insufficient to determine the role of this variant in disease. Therefore, it has been classified as a Variant of Uncertain Significance. This variant has not been reported in the literature in individuals affected with LPIN2-related conditions. This variant is not present in population databases (gnomAD no frequency). This variant, c.1749_1781del, results in the deletion of 11 amino acid(s) of the LPIN2 protein (p.Ser585_Ala595del), but otherwise preserves the integrity of the reading frame.